The following is an entry in ClinVar:

NM_017739.4(POMGNT1):c.706G>A (p.Asp236Asn)

Genes: POMGNT1 (protein O-linked mannose N-acetylglucosaminyltransferase 1 (beta 1,2-); minus strand), TSPAN1 (tetraspanin 1; plus strand). Cytogenetic location: 1p34.1.
Variant type: single nucleotide variant.
Coding change: c.706G>A on transcript NM_017739.4 (MANE Select); coding-DNA position 706, G replaced by A.
Protein change: p.Asp236Asn; replaces aspartic acid 236 with asparagine.
Molecular consequence: missense variant.
Genome position (GRCh38, 1-based): chr1:46,194,598, C>T on the plus strand (G>A on the coding strand, the complement: POMGNT1 is on the minus strand). VCF-style: chr1-46194598-C-T. GRCh37 (hg19) VCF-style: chr1-46660270-C-T.
Other names: c.706G>A (NM_017739.3); c.706G>A, p.Asp236Asn (NM_001243766.2, NM_001410783.1); c.640G>A, p.Asp214Asn (NM_001290129.3); c.277G>A, p.Asp93Asn (NM_001290130.2); short protein forms D93N, D214N, D236N.
Identifiers: ClinVar variation 1914368 (VCV001914368.4), dbSNP rs201525710, ClinGen allele CA340184076.

ClinVar aggregate classification (germline): Uncertain significance. Review status: criteria provided, multiple submitters, no conflicts (2 of 4 stars). 3 submissions from 3 submitters: Uncertain significance (3). Last evaluated 2025-11-20.

Conditions:
Inborn genetic diseases. Identifiers: MedGen C0950123, MeSH D030342.
Muscular dystrophy-dystroglycanopathy (congenital with impaired intellectual development), type B, 3. Also called: MUSCULAR DYSTROPHY, CONGENITAL, POMGNT1-RELATED; Muscular dystrophy-dystroglycanopathy (congenital with intellectual disability), type B3. Identifiers: MedGen C3150412, MONDO:0013155, OMIM 613151.
Autosomal recessive limb-girdle muscular dystrophy type 2O. Also called: MUSCULAR DYSTROPHY-DYSTROGLYCANOPATHY (LIMB-GIRDLE), TYPE C, 3; Limb-Girdle Muscular Dystrophy Type 3C; MUSCULAR DYSTROPHY-DYSTROGLYCANOPATHY, LIMB-GIRDLE, POMGNT1-RELATED. Identifiers: Orphanet 206564, MedGen C3150417, MONDO:0013161, OMIM 613157.

Allele frequency attached by ClinVar (database versions not stated): TOPMed 0.00002.
gnomAD v4.1: 8 of 1,614,052 alleles (0.0005%); highest among the groups gnomAD compares: Admixed American, 0.01%; no homozygotes.

Submissions (3):

Ambry Genetics
Classification: Uncertain significance for Inborn genetic diseases. Last evaluated: 2025-11-20. Review status: criteria provided, single submitter. Criteria: Ambry Variant Classification Scheme 2023. Collection method: clinical testing. Allele origin: germline.

Revvity Omics, Revvity
Classification: Uncertain significance. Last evaluated: 2023-11-30. Review status: criteria provided, single submitter. Criteria: ACMG Guidelines, 2015. Collection method: clinical testing. Allele origin: germline.

Labcorp Genetics (formerly Invitae), Labcorp
Classification: Uncertain significance for Autosomal recessive limb-girdle muscular dystrophy type 2O; Muscular dystrophy-dystroglycanopathy (congenital with impaired intellectual development), type B, 3. Last evaluated: 2022-06-24. Review status: criteria provided, single submitter. Criteria: Invitae Variant Classification Sherloc (09022015). Collection method: clinical testing. Allele origin: germline.
Comment: This sequence change replaces aspartic acid, which is acidic and polar, with asparagine, which is neutral and polar, at codon 236 of the POMGNT1 protein (p.Asp236Asn). This variant is present in population databases (no rsID available, gnomAD 0.006%). This variant has not been reported in the literature in individuals affected with POMGNT1-related conditions. Advanced modeling of protein sequence and biophysical properties (such as structural, functional, and spatial information, amino acid conservation, physicochemical variation, residue mobility, and thermodynamic stability) performed at Invitae indicates that this missense variant is not expected to disrupt POMGNT1 protein function. In summary, the available evidence is currently insufficient to determine the role of this variant in disease. Therefore, it has been classified as a Variant of Uncertain Significance.